The following is an entry in ClinVar:

ClinVar aggregate classification (germline): Uncertain significance (1 of 4 stars; one submission).

Conditions:
Kabuki syndrome. Also called: NIIKAWA-KUROKI SYNDROME; Kabuki make-up syndrome. Identifiers: Orphanet 2322, MedGen C0796004, MONDO:0016512.

Submission:

Labcorp Genetics (formerly Invitae), Labcorp
Classification: Uncertain significance for Kabuki syndrome. Last evaluated: 2025-11-13. Review status: criteria provided, single submitter. Criteria: Invitae Variant Classification Sherloc (09022015). Collection method: clinical testing. Allele origin: germline.
Comment: This sequence change affects codon 932 of the KMT2D mRNA. It is a 'silent' change, meaning that it does not change the encoded amino acid sequence of the KMT2D protein. It affects a nucleotide within the consensus splice site. This variant is present in population databases (rs757768061, gnomAD 0.006%). This variant has not been reported in the literature in individuals affected with KMT2D-related conditions. Algorithms developed to predict the effect of sequence changes on RNA splicing suggest that this variant is not likely to affect RNA splicing. In summary, the available evidence is currently insufficient to determine the role of this variant in disease. Therefore, it has been classified as a Variant of Uncertain Significance.

NM_003482.4(KMT2D):c.2796A>T (p.Pro932=)

Gene: KMT2D (lysine methyltransferase 2D; minus strand). Cytogenetic location: 12q13.12.
Variant type: single nucleotide variant.
Coding change: c.2796A>T on transcript NM_003482.4 (MANE Select); coding-DNA position 2796, A replaced by T.
Protein change: p.Pro932=; no amino-acid change (proline 932 retained).
Molecular consequence: synonymous variant.
Genome position (GRCh38, 1-based): chr12:49,050,887, T>A on the plus strand (A>T on the coding strand, the complement: KMT2D is on the minus strand). VCF-style: chr12-49050887-T-A. GRCh37 (hg19) VCF-style: chr12-49444670-T-A.
Identifiers: ClinVar variation 4741863 (VCV004741863.1).
Genomic context (GRCh38, chr12:49,050,887, plus strand): 5'-AGATGTGCCATGAAGAGTTACAGCTGTTCCAGAATAACAGAGTACTAACATCCCCTTACC[T>A]GGTGGCATCAGCTGAGGCGACAAGGATGGCTCCCCAGATGGGGACAACGGCAGCTCCTCG-3'
Protein context (NP_003473.3, residues 922-942): EPSLSPQLMP[Pro932=]DPLPPPLSPI